The following is an entry in ClinVar:

ClinVar aggregate classification (germline): Uncertain significance (1 of 4 stars; one submission).

Conditions:
Cardiovascular phenotype. Identifiers: MedGen CN230736.

Submission:

Ambry Genetics
Classification: Uncertain significance for Cardiovascular phenotype. Last evaluated: 2023-03-24. Review status: criteria provided, single submitter. Criteria: Ambry Variant Classification Scheme 2023. Collection method: clinical testing. Allele origin: germline.
Comment: The p.I47F variant (also known as c.139A>T), located in coding exon 1 of the FHL1 gene, results from an A to T substitution at nucleotide position 139. The isoleucine at codon 47 is replaced by phenylalanine, an amino acid with highly similar properties. This amino acid position is highly conserved in available vertebrate species. In addition, this alteration is predicted to be deleterious by in silico analysis. Since supporting evidence is limited at this time, the clinical significance of this alteration remains unclear.

NM_001159699.2(FHL1):c.187A>T (p.Ile63Phe)

Gene: FHL1 (four and a half LIM domains 1; plus strand). Cytogenetic location: Xq26.3.
Variant type: single nucleotide variant.
Coding change: c.187A>T on transcript NM_001159699.2 (MANE Select); coding-DNA position 187, A replaced by T.
Protein change: p.Ile63Phe; replaces isoleucine 63 with phenylalanine.
Molecular consequence: missense variant. On other transcripts: non-coding transcript variant (1).
Genome position (GRCh38, 1-based): chrX:136,206,571, A>T. VCF-style: chrX-136206571-A-T. GRCh37 (hg19) VCF-style: chrX-135288730-A-T.
Other names: c.139A>T, p.Ile47Phe (NM_001159700.2, NM_001159702.3, NM_001159703.2 and 9 more transcripts); c.226A>T, p.Ile76Phe (NM_001159701.2); c.187A>T, p.Ile63Phe (NM_001330659.2); short protein forms I76F, I47F, I63F.
Identifiers: ClinVar variation 2565495 (VCV002565495.2), dbSNP rs2073846647, ClinGen allele CA414607824.